The following is an entry in ClinVar:

ClinVar aggregate classification (germline): Likely benign. Review status: criteria provided, multiple submitters, no conflicts (2 of 4 stars). 2 submissions from 2 submitters: Likely benign (2). Last evaluated 2025-02-17.

Conditions:
Angelman syndrome-like. Identifiers: MedGen CN128785.
Developmental and epileptic encephalopathy, 2 (DEE2). Also called: INFANTILE SPASM SYNDROME, X-LINKED 2; CDKL5 deficiency disorder. Identifiers: Orphanet 1934, Orphanet 3451, Orphanet 505652, MedGen C4750718, MONDO:0010396, OMIM 300672.

Allele frequency attached by ClinVar (database versions not stated): gnomAD exomes below 0.00001 and 0.00001; gnomAD 0.00001; TOPMed 0.00001.
gnomAD v4.1: 4 of 1,026,619 alleles (0.00039%); highest among the groups gnomAD compares: East Asian, 0.003%; no homozygotes.

Submissions (2):

Labcorp Genetics (formerly Invitae), Labcorp
Classification: Likely benign for Developmental and epileptic encephalopathy, 2; Angelman syndrome-like. Last evaluated: 2025-02-17. Review status: criteria provided, single submitter. Criteria: Invitae Variant Classification Sherloc (09022015). Collection method: clinical testing. Allele origin: germline.

GeneDx
Classification: Likely benign. Last evaluated: 2018-05-02. Review status: criteria provided, single submitter. Criteria: GeneDx Variant Classification (06012015). Collection method: clinical testing. Allele origin: germline. Affected: yes.
Comment: This variant is considered likely benign or benign based on one or more of the following criteria: it is a conservative change, it occurs at a poorly conserved position in the protein, it is predicted to be benign by multiple in silico algorithms, and/or has population frequency not consistent with disease.

NM_001323289.2(CDKL5):c.2046+16A>G

Gene: CDKL5 (cyclin dependent kinase like 5; plus strand). Cytogenetic location: Xp22.13.
Variant type: single nucleotide variant.
Coding change: c.2046+16A>G on transcript NM_001323289.2 (MANE Select); 16 bases into the intron after coding-DNA position 2046, A replaced by G.
Molecular consequence: intron variant.
Genome position (GRCh38, 1-based): chrX:18,608,928, A>G. VCF-style: chrX-18608928-A-G. GRCh37 (hg19) VCF-style: chrX-18627048-A-G.
Other names: c.2046+16A>G (NM_003159.3, NM_001037343.2).
Identifiers: ClinVar variation 670054 (VCV000670054.9), dbSNP rs1157430431, ClinGen allele CA640512864.